The following is an entry in ClinVar:

ClinVar aggregate classification (germline): Conflicting classifications of pathogenicity. Review status: criteria provided, conflicting classifications (1 of 4 stars). 2 submissions from 2 submitters: Likely pathogenic (1); Uncertain significance (1). Last evaluated 2022-12-28.

Conditions:
GALT-related disorder. Also called: GALT-related condition.

Submissions (2):

Mayo Clinic Laboratories, Mayo Clinic
Classification: Uncertain significance. Last evaluated: 2022-12-28. Review status: criteria provided, single submitter. Criteria: ACMG Guidelines, 2015. Collection method: clinical testing. Allele origin: germline. Observed: 1 variant allele.
Comment: PP3, PM2

Blueprint Genetics
Classification: Likely pathogenic for GALT-related disorders. Last evaluated: 2022-10-12. Review status: criteria provided, single submitter. Criteria: ACMG Guidelines, 2015. Collection method: clinical testing. Allele origin: germline. Affected: yes. Observed: 2 variant alleles.

NM_000155.4(GALT):c.907G>T (p.Ala303Ser)

Gene: GALT (galactose-1-phosphate uridylyltransferase; plus strand). Cytogenetic location: 9p13.3.
Variant type: single nucleotide variant.
Coding change: c.907G>T on transcript NM_000155.4 (MANE Select); coding-DNA position 907, G replaced by T.
Protein change: p.Ala303Ser; replaces alanine 303 with serine.
Molecular consequence: missense variant.
Genome position (GRCh38, 1-based): chr9:34,649,412, G>T. VCF-style: chr9-34649412-G-T. GRCh37 (hg19) VCF-style: chr9-34649409-G-T.
Other names: p.Ala303Ser; c.580G>T, p.Ala194Ser (NM_001258332.2); short protein forms A194S, A303S.
Identifiers: ClinVar variation 2683041 (VCV002683041.2), dbSNP rs369090791, ClinGen allele CA373284635.